The following is an entry in ClinVar:

NM_003072.5(SMARCA4):c.4831G>A (p.Gly1611Ser)

Gene: SMARCA4 (SWI/SNF related BAF chromatin remodeling complex subunit ATPase 4; plus strand). Cytogenetic location: 19p13.2.
Variant type: single nucleotide variant.
Coding change: c.4831G>A on transcript NM_003072.5 (MANE Select); coding-DNA position 4831, G replaced by A.
Protein change: p.Gly1611Ser; replaces glycine 1611 with serine.
Molecular consequence: missense variant. On other transcripts: non-coding transcript variant (1).
Genome position (GRCh38, 1-based): chr19:11,060,107, G>A. VCF-style: chr19-11060107-G-A. GRCh37 (hg19) VCF-style: chr19-11170783-G-A.
Other names: c.4831G>A, p.Gly1611Ser (NM_001128844.3); c.4741G>A, p.Gly1581Ser (NM_001128845.2); c.4738G>A, p.Gly1580Ser (NM_001128846.2); c.4732G>A, p.Gly1578Ser (NM_001128847.4, NM_001374457.1); c.4729G>A, p.Gly1577Ser (NM_001128848.2); c.4927G>A, p.Gly1643Ser (NM_001128849.3); c.4927G>A (NM_001128849.1); short protein forms G1577S, G1578S, G1580S, G1581S, G1611S, G1643S.
Identifiers: ClinVar variation 1017721 (VCV001017721.10), dbSNP rs2076777557, ClinGen allele CA404080608.

ClinVar aggregate classification (germline): Uncertain significance. Review status: criteria provided, multiple submitters, no conflicts (2 of 4 stars). 3 submissions from 3 submitters: Uncertain significance (3). Last evaluated 2024-11-15.

Conditions:
SMARCA4-related disorder. Also called: SMARCA4-related condition.
Hereditary cancer-predisposing syndrome. Also called: Tumor predisposition; Neoplastic Syndromes, Hereditary; Hereditary neoplastic syndrome; Hereditary Cancer Syndrome. Identifiers: Orphanet 140162, MedGen C0027672, MeSH D009386, MONDO:0015356.
Rhabdoid tumor predisposition syndrome 2 (RTPS2). Identifiers: Orphanet 231108, Orphanet 69077, MedGen C2750074, MONDO:0013224, OMIM 613325.

Submissions (3):

Ambry Genetics
Classification: Uncertain significance for Hereditary cancer-predisposing syndrome. Last evaluated: 2024-11-15. Review status: criteria provided, single submitter. Criteria: Ambry Variant Classification Scheme 2023. Collection method: clinical testing. Allele origin: germline.
Comment: The p.G1643S variant (also known as c.4927G>A), located in coding exon 34 of the SMARCA4 gene, results from a G to A substitution at nucleotide position 4927. The glycine at codon 1643 is replaced by serine, an amino acid with similar properties. This amino acid position is conserved. In addition, the in silico prediction for this alteration is inconclusive. Based on the available evidence, the clinical significance of this variant remains unclear.

PreventionGenetics, part of Exact Sciences
Classification: Uncertain significance for SMARCA4-related condition. Last evaluated: 2023-08-09. Review status: criteria provided, single submitter. Criteria: ACMG Guidelines, 2015. Collection method: clinical testing. Allele origin: germline.
Comment: The SMARCA4 c.4927G>A variant is predicted to result in the amino acid substitution p.Gly1643Ser. To our knowledge, this variant has not been reported in the literature or in a large population database, indicating this variant is rare. It is interpreted as uncertain significance in ClinVar. At this time, the clinical significance of this variant is uncertain due to the absence of conclusive functional and genetic evidence.

Labcorp Genetics (formerly Invitae), Labcorp
Classification: Uncertain significance for Rhabdoid tumor predisposition syndrome 2. Last evaluated: 2020-07-25. Review status: criteria provided, single submitter. Criteria: Invitae Variant Classification Sherloc (09022015). Collection method: clinical testing. Allele origin: germline.
Comment: In summary, the available evidence is currently insufficient to determine the role of this variant in disease. Therefore, it has been classified as a Variant of Uncertain Significance. Algorithms developed to predict the effect of missense changes on protein structure and function are either unavailable or do not agree on the potential impact of this missense change (SIFT: "Deleterious"; PolyPhen-2: "Possibly Damaging"; Align-GVGD: "Class C0"). This variant has not been reported in the literature in individuals with SMARCA4-related conditions. This variant is not present in population databases (ExAC no frequency). This sequence change replaces glycine with serine at codon 1643 of the SMARCA4 protein (p.Gly1643Ser). The glycine residue is highly conserved and there is a small physicochemical difference between glycine and serine.